The following is an entry in ClinVar:

ClinVar aggregate classification (germline): Uncertain significance (1 of 4 stars; one submission).

Submission:

Labcorp Genetics (formerly Invitae), Labcorp
Classification: Uncertain significance. Last evaluated: 2025-08-29. Review status: criteria provided, single submitter. Criteria: Invitae Variant Classification Sherloc (09022015). Collection method: clinical testing. Allele origin: germline.
Comment: This sequence change replaces proline, which is neutral and non-polar, with serine, which is neutral and polar, at codon 753 of the TRIM28 protein (p.Pro753Ser). This variant is not present in population databases (gnomAD no frequency). This variant has not been reported in the literature in individuals affected with TRIM28-related conditions. Experimental studies and prediction algorithms are not available or were not evaluated, and the functional significance of this variant is currently unknown. In summary, the available evidence is currently insufficient to determine the role of this variant in disease. Therefore, it has been classified as a Variant of Uncertain Significance.

NM_005762.3(TRIM28):c.2257C>T (p.Pro753Ser)

Gene: TRIM28 (tripartite motif containing 28; plus strand). Cytogenetic location: 19q13.43.
Variant type: single nucleotide variant.
Coding change: c.2257C>T on transcript NM_005762.3 (MANE Select); coding-DNA position 2257, C replaced by T.
Protein change: p.Pro753Ser; replaces proline 753 with serine.
Molecular consequence: missense variant.
Genome position (GRCh38, 1-based): chr19:58,550,210, C>T. VCF-style: chr19-58550210-C-T. GRCh37 (hg19) VCF-style: chr19-59061577-C-T.
Other names: short protein forms P753S.
Identifiers: ClinVar variation 4726169 (VCV004726169.1).